The following is an entry in ClinVar:

ClinVar aggregate classification (germline): Uncertain significance (1 of 4 stars; one submission).

Conditions:
Facioscapulohumeral muscular dystrophy 2 (FSHD2). Also called: FACIOSCAPULOHUMERAL MUSCULAR DYSTROPHY 2, DIGENIC; FSHD2, DIGENIC; MUSCULAR DYSTROPHY, FACIOSCAPULOHUMERAL, TYPE 1B. Identifiers: Orphanet 269, MedGen C1834671, MONDO:0008031, OMIM 158901.

Allele frequency attached by ClinVar (database versions not stated): gnomAD exomes below 0.00001; TOPMed below 0.00001; ExAC 0.00001.
gnomAD v4.1: 2 of 1,583,110 alleles (0.00013%); highest among the groups gnomAD compares: Admixed American, 0.0036%; no homozygotes.

Submission:

Labcorp Genetics (formerly Invitae), Labcorp
Classification: Uncertain significance for Facioscapulohumeral muscular dystrophy 2. Last evaluated: 2022-06-01. Review status: criteria provided, single submitter. Criteria: Invitae Variant Classification Sherloc (09022015). Collection method: clinical testing. Allele origin: germline.
Comment: In summary, the available evidence is currently insufficient to determine the role of this variant in disease. Therefore, it has been classified as a Variant of Uncertain Significance. Variants that disrupt the consensus splice site are a relatively common cause of aberrant splicing (PMID: 17576681, 9536098). Algorithms developed to predict the effect of sequence changes on RNA splicing suggest that this variant is not likely to affect RNA splicing. This variant has not been reported in the literature in individuals affected with SMCHD1-related conditions. The frequency data for this variant in the population databases is considered unreliable, as metrics indicate poor data quality at this position in the gnomAD database. This sequence change falls in intron 16 of the SMCHD1 gene. It does not directly change the encoded amino acid sequence of the SMCHD1 protein. It affects a nucleotide within the consensus splice site.

Literature cited by the submitters: PubMed 17576681; PubMed 9536098.

NM_015295.3(SMCHD1):c.2146+4T>C

Gene: SMCHD1 (structural maintenance of chromosomes flexible hinge domain containing 1; plus strand). Cytogenetic location: 18p11.32.
Variant type: single nucleotide variant.
Coding change: c.2146+4T>C on transcript NM_015295.3 (MANE Select); 4 bases into the intron after coding-DNA position 2146, T replaced by C.
Molecular consequence: intron variant.
Genome position (GRCh38, 1-based): chr18:2,707,649, T>C. VCF-style: chr18-2707649-T-C. GRCh37 (hg19) VCF-style: chr18-2707647-T-C.
Identifiers: ClinVar variation 1981398 (VCV001981398.4), dbSNP rs773201381, ClinGen allele CA8870893.